The following is an entry in ClinVar:

ClinVar aggregate classification (germline): Uncertain significance (1 of 4 stars; one submission).

Submission:

GeneDx
Classification: Uncertain significance. Last evaluated: 2022-05-12. Review status: criteria provided, single submitter. Criteria: GeneDx Variant Classification Process June 2021. Collection method: clinical testing. Allele origin: germline. Affected: yes.
Comment: Not observed at significant frequency in large population cohorts (gnomAD); In silico analysis supports that this missense variant has a deleterious effect on protein structure/function; Has not been previously published as pathogenic or benign to our knowledge

NM_001349798.2(FBXW7):c.1387A>G (p.Thr463Ala)

Gene: FBXW7 (F-box and WD repeat domain containing 7; minus strand). Cytogenetic location: 4q31.3.
Variant type: single nucleotide variant.
Coding change: c.1387A>G on transcript NM_001349798.2 (MANE Select); coding-DNA position 1387, A replaced by G.
Protein change: p.Thr463Ala; replaces threonine 463 with alanine.
Molecular consequence: missense variant.
Genome position (GRCh38, 1-based): chr4:152,328,239, T>C on the plus strand (A>G on the coding strand, the complement: FBXW7 is on the minus strand). VCF-style: chr4-152328239-T-C. GRCh37 (hg19) VCF-style: chr4-153249391-T-C.
Other names: c.1033A>G, p.Thr345Ala (NM_001013415.2); c.1147A>G, p.Thr383Ala (NM_018315.5); c.1387A>G, p.Thr463Ala (NM_033632.3); short protein forms T345A, T383A, T463A.
Identifiers: ClinVar variation 1723774 (VCV001723774.2), dbSNP rs2530189687, ClinGen allele CA358618768.